The following is an entry in ClinVar:

NM_000135.4(FANCA):c.*287G>A

Genes: FANCA (FA complementation group A; minus strand), ZNF276 (zinc finger protein 276; plus strand). Cytogenetic location: 16q24.3.
Variant type: single nucleotide variant.
Coding change: c.*287G>A on transcript NM_000135.4 (MANE Select); 287 bases downstream of the stop codon, G replaced by A.
Molecular consequence: 3 prime UTR variant. On other transcripts: non-coding transcript variant (4).
Genome position (GRCh38, 1-based): chr16:89,738,314, C>T on the plus strand (G>A on the coding strand, the complement: FANCA is on the minus strand). VCF-style: chr16-89738314-C-T. GRCh37 (hg19) VCF-style: chr16-89804722-C-T.
Other names: c.*384G>A (NM_001286167.3); c.*68C>T (NM_001113525.2, NM_152287.4).
Identifiers: ClinVar variation 321319 (VCV000321319.9), dbSNP rs17227417, ClinGen allele CA10648376.

ClinVar aggregate classification (germline): Benign. Review status: criteria provided, multiple submitters, no conflicts (2 of 4 stars). 3 submissions from 3 submitters: Benign (3). Last evaluated 2019-04-24.

Conditions:
Fanconi anemia complementation group A (FANCA). Also called: Fanconi anemia, group A; FANCA-Related Fanconi Anemia. Identifiers: Orphanet 84, MedGen C3469521, MONDO:0009215, OMIM 227650.

Allele frequency attached by ClinVar (database versions not stated): gnomAD exomes 0.00306; 1000 Genomes Project 0.01917; 1000 Genomes Project 30x 0.02046; gnomAD 0.02118 and 0.02259; TOPMed 0.02237.
gnomAD v4.1: 7,553 of 1,521,468 alleles (0.5%); highest among the groups gnomAD compares: African/African-American, 6.8%; 180 homozygotes.

Submissions (3):

GeneDx
Classification: Benign. Last evaluated: 2019-04-24. Review status: criteria provided, single submitter. Criteria: GeneDx Variant Classification Process June 2021. Collection method: clinical testing. Allele origin: germline. Affected: yes.

Illumina Laboratory Services, Illumina
Classification: Benign for Fanconi anemia complementation group A. Last evaluated: 2018-01-13. Review status: criteria provided, single submitter. Criteria: ICSL Variant Classification Criteria 13 December 2019. Collection method: clinical testing. Allele origin: germline.
Comment: This variant was observed in the ICSL laboratory as part of a predisposition screen in an ostensibly healthy population. It had not been previously curated by ICSL or reported in the Human Gene Mutation Database (HGMD: prior to June 1st, 2018), and was therefore a candidate for classification through an automated scoring system. Utilizing variant allele frequency, disease prevalence and penetrance estimates, and inheritance mode, an automated score was calculated to assess if this variant is too frequent to cause the disease. Based on the score and internal cut-off values, a variant classified as benign is not then subjected to further curation. The score for this variant resulted in a classification of benign for this disease.

Breakthrough Genomics
Classification: Benign. Review status: criteria provided, single submitter. Criteria: ACMG Guidelines, 2015. Collection method: not provided. Allele origin: germline. Inheritance: Autosomal recessive inheritance. Affected: yes.